The following is an entry in ClinVar:

ClinVar aggregate classification (germline): Likely pathogenic (1 of 4 stars; one submission).

Conditions:
Usher syndrome type 1C. Also called: USHER SYNDROME, TYPE I, ACADIAN VARIETY. Identifiers: Orphanet 231169, Orphanet 886, MedGen C1848604, MONDO:0010171, OMIM 276904.

Submission:

Natera, Inc.
Classification: Likely pathogenic for Usher syndrome type 1C. Last evaluated: 2025-02-20. Review status: criteria provided, single submitter. Criteria: Natera Variant Classification Schema (03/2026). Collection method: clinical testing. Allele origin: germline.
Comment: The c.1425del variant in USH1C is a frameshift variant predicted to shift the reading frame beginning at codon 476 and leads to a stop codon 22 codons downstream. This variant is expected to result in nonsense mediated decay, truncation, or a dysfunctional protein product. This variant is rare in the general population with a frequency below the threshold expected for the associated phenotype(s). Given the available evidence, this variant is classified as Likely Pathogenic.

NM_153676.4(USH1C):c.2325del (p.Ile776fs)

Gene: USH1C (USH1 protein network component harmonin; minus strand). Cytogenetic location: 11p15.1.
Variant type: Deletion.
Coding change: c.2325del on transcript NM_153676.4 (MANE Select); coding-DNA position 2325, one base deleted (C; older notation c.2325delC).
Protein change: p.Ile776fs; shifts the reading frame from isoleucine 776.
Molecular consequence: frameshift variant. On other transcripts: non-coding transcript variant (1).
Genome position (GRCh38, 1-based): chr11:17,501,106, G deleted on the plus strand (C on the coding strand, the reverse complement: USH1C is on the minus strand); the first of 5 consecutive G bases (chr11:17,501,106-17,501,110); deleting any one gives the same sequence. VCF-style (leftmost placement, unchanged base first): chr11-17501105-TG-T. GRCh37 (hg19) VCF-style: chr11-17522652-TG-T.
Other names: c.1368del, p.Ile457fs (NM_001297764.2); c.1425del, p.Ile476fs (NM_005709.4); short protein forms I457fs, I476fs, I776fs.
Identifiers: ClinVar variation 4062528 (VCV004062528.2).
Genomic context (GRCh38, chr11:17,501,105, plus strand): 5'-ACTCACCATGCCGCTCAGCAGCTCCCCGCTCATACACAGCAGAAACGACCACCTTCCCAA[TG>T]GGGGAGTCCACACCGCCTTCCAGGGCCAGGTCTAAGGATCCCTCCTGGTTAGAGGAAAAC-3'